The following is an entry in ClinVar:

NM_020832.3(ZNF687):c.191G>A (p.Gly64Glu)

Gene: ZNF687 (zinc finger protein 687; plus strand). Cytogenetic location: 1q21.3.
Variant type: single nucleotide variant.
Coding change: c.191G>A on transcript NM_020832.3 (MANE Select); coding-DNA position 191, G replaced by A.
Protein change: p.Gly64Glu; replaces glycine 64 with glutamic acid.
Molecular consequence: missense variant.
Genome position (GRCh38, 1-based): chr1:151,286,482, G>A. VCF-style: chr1-151286482-G-A. GRCh37 (hg19) VCF-style: chr1-151258958-G-A.
Other names: c.191G>A, p.Gly64Glu (NM_001304763.2, NM_001304764.2); short protein forms G64E.
Identifiers: ClinVar variation 4705805 (VCV004705805.1).
Genomic context (GRCh38, chr1:151,286,482, plus strand): 5'-AACCAGGTGTAGGAAGTGAATCTGAAGACACAGCAGCAGCCTCTGCTGGGGATGGCCCTG[G>A]AGTTCCAGCCCAGGCCTCTGACCATGGCCTGCCACCGCCAGACATTTCTGTAGTCAGTGT-3'
Protein context (NP_065883.1, residues 54-74): TAAASAGDGP[Gly64Glu]VPAQASDHGL

ClinVar aggregate classification (germline): Uncertain significance (1 of 4 stars; one submission).

Submission:

Labcorp Genetics (formerly Invitae), Labcorp
Classification: Uncertain significance. Last evaluated: 2025-08-16. Review status: criteria provided, single submitter. Criteria: Invitae Variant Classification Sherloc (09022015). Collection method: clinical testing. Allele origin: germline.
Comment: This sequence change replaces glycine, which is neutral and non-polar, with glutamic acid, which is acidic and polar, at codon 64 of the ZNF687 protein (p.Gly64Glu). This variant is not present in population databases (gnomAD no frequency). This variant has not been reported in the literature in individuals affected with ZNF687-related conditions. An algorithm developed to predict the effect of missense changes on protein structure and function outputs the following: PolyPhen-2: "Benign". The glutamic acid amino acid residue is found in multiple mammalian species, which suggests that this missense change does not adversely affect protein function. In summary, the available evidence is currently insufficient to determine the role of this variant in disease. Therefore, it has been classified as a Variant of Uncertain Significance.